The following is an entry in ClinVar:

ClinVar aggregate classification (germline): Likely pathogenic (1 of 4 stars; one submission).

Conditions:
Immunodeficiency, common variable, 14. Identifiers: Orphanet 696904, MedGen C4540380, MONDO:0054691, OMIM 617765.

Submission:

Victorian Clinical Genetics Services, Murdoch Childrens Research Institute
Classification: Likely pathogenic for Immunodeficiency, common variable, 14. Last evaluated: 2026-02-17. Review status: criteria provided, single submitter. Criteria: ACMG Guidelines, 2015. Collection method: clinical testing. Allele origin: germline. Affected: yes.
Comment: This variant is classified as Likely pathogenic. Evidence in support of pathogenic classification: Variant is predicted to result in a truncated protein (premature termination codon is NOT located at least 54 nucleotides upstream of the final exon-exon junction) with less than 1/3 of the protein sequence affected; Variant is absent from gnomAD (v2, v3 and v4); Other protein truncating variants comparable to the one identified in this case have strong previous evidence for pathogenicity. Downstream truncating variants p.(Lys539Arg*), p.(Gln540*) and p.(Gln536delins*) have been reported in the literature in individuals with common variable immunodeficiency, including twice as de novo. The p.(Tyr548*) variant was reported in an individual with bronchiectasis (PMIDs: 33864888, 36193988, 40090425, 37353797). Additional information: This variant is heterozygous; This gene is associated with autosomal dominant disease; This variant has no previous evidence of pathogenicity; No published evidence of segregation with disease has been identified for this variant; No published functional evidence has been identified for this variant; Variant is predicted to truncate the annotated RING domain (PMIDs: 39616187, 40090425). - Loss of function is a known mechanism of disease in this gene and is associated with immunodeficiency, common variable, 14 (MIM#617765); Inheritance information for this variant is not currently available in this individual.

Literature cited by the submitters: PubMed 33864888; PubMed 36193988; PubMed 39616187; PubMed 40090425; PubMed 37353797.

NM_182972.3(IRF2BP2):c.1518C>A (p.Cys506Ter)

Gene: IRF2BP2 (interferon regulatory factor 2 binding protein 2; minus strand). Cytogenetic location: 1q42.3.
Variant type: single nucleotide variant.
Coding change: c.1518C>A on transcript NM_182972.3 (MANE Select); coding-DNA position 1518, C replaced by A.
Protein change: p.Cys506Ter; replaces cysteine 506 with a stop codon.
Molecular consequence: nonsense.
Genome position (GRCh38, 1-based): chr1:234,607,383, G>T on the plus strand (C>A on the coding strand, the complement: IRF2BP2 is on the minus strand). VCF-style: chr1-234607383-G-T. GRCh37 (hg19) VCF-style: chr1-234743129-G-T.
Other names: c.1470C>A, p.Cys490Ter (NM_001077397.1); short protein forms C490*, C506*.
Identifiers: ClinVar variation 4879804 (VCV004879804.1).